The following is an entry in ClinVar:

NM_007294.4(BRCA1):c.1834A>G (p.Arg612Gly)

Gene: BRCA1 (BRCA1 DNA repair associated; minus strand). Cytogenetic location: 17q21.31.
Variant type: single nucleotide variant.
Coding change: c.1834A>G on transcript NM_007294.4 (MANE Select); coding-DNA position 1834, A replaced by G.
Protein change: p.Arg612Gly; replaces arginine 612 with glycine.
Molecular consequence: missense variant. On other transcripts: intron variant (137).
Genome position (GRCh38, 1-based): chr17:43,093,697, T>C on the plus strand (A>G on the coding strand, the complement: BRCA1 is on the minus strand). VCF-style: chr17-43093697-T-C. GRCh37 (hg19) VCF-style: chr17-41245714-T-C.
Other names: c.1834A>G, p.Arg612Gly (NM_001407623.1, NM_001407624.1, NM_001407625.1 and 30 more transcripts); c.1831A>G, p.Arg611Gly (NM_001407627.1, NM_001407628.1, NM_001407629.1 and 22 more transcripts); c.1825A>G, p.Arg609Gly (NM_001407646.1, NM_001407647.1); c.1711A>G, p.Arg571Gly (NM_001407648.1, NM_001407664.1, NM_001407665.1 and 19 more transcripts); c.1708A>G, p.Arg570Gly (NM_001407649.1, NM_001407670.1, NM_001407671.1 and 11 more transcripts); c.1756A>G, p.Arg586Gly (NM_001407653.1, NM_001407654.1, NM_001407655.1 and 4 more transcripts); c.1753A>G, p.Arg585Gly (NM_001407659.1, NM_001407660.1, NM_001407661.1 and 1 more transcripts); c.1693A>G, p.Arg565Gly (NM_001407692.1, NM_001407694.1, NM_001407695.1 and 29 more transcripts); and 40 more; short protein forms R612G, R565G, R500G, R571G, R611G, R524G, R545G, R564G.
Identifiers: ClinVar variation 54367 (VCV000054367.31), dbSNP rs80357245, ClinGen allele CA001196.

ClinVar aggregate classification (germline): Benign. Review status: reviewed by expert panel (3 of 4 stars). 10 submissions from 10 submitters: Benign (1). 9 of the submissions do not count toward it. Last evaluated 2019-06-18.

Conditions:
Hereditary cancer-predisposing syndrome. Also called: Tumor predisposition; Neoplastic Syndromes, Hereditary; Hereditary Cancer Syndrome; Hereditary neoplastic syndrome. Identifiers: Orphanet 140162, MedGen C0027672, MeSH D009386, MONDO:0015356.
Hereditary breast ovarian cancer syndrome. Also called: Hereditary breast and ovarian cancer syndrome (HBOC); Hereditary breast and ovarian cancer syndrome; Hereditary breast and ovarian cancer; Hereditary breast and/or ovarian cancer syndrome; Breast and ovarian cancer; BRCA1- and BRCA2-Associated Hereditary Breast and Ovarian Cancer. Identifiers: Orphanet 145, MedGen C0677776, MeSH D061325, MONDO:0003582. Disease mechanism: loss of function.
Breast-ovarian cancer, familial, susceptibility to, 1 (BROVCA1). Also called: OVARIAN CANCER, SUSCEPTIBILITY TO; BRCA1 Hereditary Breast and Ovarian Cancer. Identifiers: Orphanet 145, MedGen C2676676, MONDO:0011450, OMIM 604370. Disease mechanism: loss of function.

Allele frequency attached by ClinVar (database versions not stated): gnomAD below 0.00001 and 0.00001; gnomAD exomes below 0.00001 and 0.00001; ExAC 0.00001.
gnomAD v4.1: 6 of 1,614,020 alleles (0.00037%); highest among the groups gnomAD compares: South Asian, 0.0022%; no homozygotes.

Submissions (10):

Evidence-based Network for the Interpretation of Germline Mutant Alleles (ENIGMA)
Classification: Benign for Breast-ovarian cancer, familial, susceptibility to, 1. Last evaluated: 2019-06-18. Review status: reviewed by expert panel. Criteria: ENIGMA BRCA1/2 Classification Criteria (2017-06-29). Collection method: curation. Allele origin: germline.
Comment: IARC class based on posterior probability from multifactorial likelihood analysis, thresholds for class as per Plon et al. 2008 (PMID: 18951446). Class 1 based on posterior probability = 0.000492

Labcorp Genetics (formerly Invitae), Labcorp
Classification: Likely benign for Hereditary breast ovarian cancer syndrome. Last evaluated: 2025-07-14. Review status: criteria provided, single submitter. Criteria: Invitae Variant Classification Sherloc (09022015). Collection method: clinical testing. Allele origin: germline. Not counted in ClinVar's aggregate classification.

Color Diagnostics, LLC DBA Color Health
Classification: Likely benign for Hereditary cancer-predisposing syndrome. Last evaluated: 2024-11-14. Review status: criteria provided, single submitter. Criteria: ACMG Guidelines, 2015. Collection method: clinical testing. Allele origin: germline. Not counted in ClinVar's aggregate classification.

Ambry Genetics
Classification: Uncertain significance for Hereditary cancer-predisposing syndrome. Last evaluated: 2024-08-23. Review status: criteria provided, single submitter. Criteria: Ambry Variant Classification Scheme 2023. Collection method: clinical testing. Allele origin: germline. Not counted in ClinVar's aggregate classification.
Comment: The p.R612G variant (also known as c.1834A>G), located in coding exon 9 of the BRCA1 gene, results from an A to G substitution at nucleotide position 1834. The arginine at codon 612 is replaced by glycine, an amino acid with dissimilar properties. This amino acid position is not well conserved in available vertebrate species. In addition, the in silico prediction for this alteration is inconclusive. Based on the available evidence, the clinical significance of this variant remains unclear.

Women's Health and Genetics/Laboratory Corporation of America, LabCorp
Classification: Likely benign. Last evaluated: 2024-08-14. Review status: criteria provided, single submitter. Criteria: LabCorp Variant Classification Summary - May 2015. Collection method: clinical testing. Allele origin: germline. Not counted in ClinVar's aggregate classification.
Comment: Variant summary: BRCA1 c.1834A>G (p.Arg612Gly) results in a non-conservative amino acid change in the encoded protein sequence. Four of five in-silico tools predict a damaging effect of the variant on protein function. The variant allele was found at a frequency of 4e-06 in 251080 control chromosomes. The available data on variant occurrences in the general population are insufficient to allow any conclusion about variant significance. c.1834A>G has been reported in the literature in individuals affected with Hereditary Breast And Ovarian Cancer Syndrome (e.g., Hovland_2022, Lu_2015), however without strong evidence for causality (e.g., lack of co-segregation data). These report(s) do not provide unequivocal conclusions about association of the variant with Hereditary Breast And Ovarian Cancer Syndrome. At least one functional study reports experimental evidence evaluating an impact on protein function and showed no damaging effect of this variant on homology directed repair (HDR) activity (e.g. Lu_2015). HDR assays qualify as a recognized gold standard on the basis of updated guidance provided by the ClinGen Sequence Variant Interpretation (SVI) working group. The following publications have been ascertained in the context of this evaluation (PMID: 34981296, 36833189, 26689913). ClinVar contains an entry for this variant (Variation ID: 54367). Based on the evidence outlined above, the variant was classified as likely benign.

All of Us Research Program, National Institutes of Health
Classification: Uncertain significance for Breast-ovarian cancer, familial, susceptibility to, 1. Last evaluated: 2022-11-28. Review status: criteria provided, single submitter. Criteria: ACMG Guidelines, 2015. Collection method: clinical testing. Allele origin: germline. Inheritance: Autosomal dominant inheritance. Observed: 1 variant allele, 1 heterozygote. Not counted in ClinVar's aggregate classification.
Comment: This study involves interpretation of variants in research participants for the purpose of population health screening. Participant phenotype was not available at the time of variant classification. Additional details can be found in publication PMID: 35346344, PMCID: PMC8962531

Quest Diagnostics Nichols Institute San Juan Capistrano
Classification: Uncertain significance. Last evaluated: 2021-05-13. Review status: criteria provided, single submitter. Criteria: Quest Diagnostics criteria. Collection method: clinical testing. Allele origin: unknown. Not counted in ClinVar's aggregate classification.

GeneDx
Classification: Uncertain significance. Last evaluated: 2016-08-29. Review status: criteria provided, single submitter. Criteria: GeneDx Variant Classification (06012015). Collection method: clinical testing. Allele origin: germline. Affected: yes. Not counted in ClinVar's aggregate classification.
Comment: This variant is denoted BRCA1 c.1834A>G at the cDNA level, p.Arg612Gly (R612G) at the protein level, and results in the change of an Arginine to a Glycine (AGG>GGG). Using alternate nomenclature, this variant would be defined as BRCA1 1953A>G. This variant was co-observed with a pathogenic BRCA2 variant in an individual with bilateral breast and ovarian cancer (Minucci 2016). BRCA1 Arg612Gly was not observed in approximately 6,500 individuals of European and African American ancestry in the NHLBI Exome Sequencing Project, suggesting it is not a common benign variant in these populations. Since Arginine and Glycine differ in polarity, charge, size or other properties, this is considered a non-conservative amino acid substitution. BRCA1 Arg612Gly occurs at a position that is not conserved and is located within the NLS2 motif and a region known for interaction with multiple proteins (Borg 2010, Paul 2014). In silico analyses predict that this variant is probably damaging to protein structure and function. Based on currently available evidence, it is unclear whether BRCA1 Arg612Gly is a pathogenic or benign variant. We consider it to be a variant of uncertain significance.

Counsyl
Classification: Uncertain significance for Breast-ovarian cancer, familial, susceptibility to, 1. Last evaluated: 2016-10-27. Review status: no assertion criteria provided. Collection method: clinical testing. Allele origin: unknown. Not counted in ClinVar's aggregate classification.

Breast Cancer Information Core (BIC) (BRCA1)
Classification: Uncertain significance for Breast-ovarian cancer, familial 1. Last evaluated: 2002-05-29. Review status: no assertion criteria provided. Collection method: clinical testing. Allele origin: germline. Affected: yes. Observed: 2 variant alleles. Not counted in ClinVar's aggregate classification.

Literature cited by the submitters: PubMed 31131967 (cited by Evidence-based Network for the Interpretation of Germline Mutant Alleles (ENIGMA) and Quest Diagnostics Nichols Institute San Juan Capistrano); PubMed 26689913 (cited by 3 submitters); PubMed 34981296 (cited by Women's Health and Genetics/Laboratory Corporation of America, LabCorp); PubMed 36833189 (cited by Women's Health and Genetics/Laboratory Corporation of America, LabCorp); PubMed 27125725 (cited by Quest Diagnostics Nichols Institute San Juan Capistrano and Counsyl); PubMed 16518693 (cited by Quest Diagnostics Nichols Institute San Juan Capistrano); PubMed 12531920 (cited by Quest Diagnostics Nichols Institute San Juan Capistrano); PubMed 23704879 (cited by Quest Diagnostics Nichols Institute San Juan Capistrano and Counsyl); PubMed 16267036 (cited by Quest Diagnostics Nichols Institute San Juan Capistrano and Counsyl).